The following is an entry in ClinVar:

ClinVar aggregate classification (germline): Pathogenic (1 of 4 stars; one submission).

Conditions:
Epilepsy, familial focal, with variable foci 3 (FFEVF3). Identifiers: MedGen C4310708, MONDO:0014925, OMIM 617118.

Submission:

Labcorp Genetics (formerly Invitae), Labcorp
Classification: Pathogenic for Epilepsy, familial focal, with variable foci 3. Last evaluated: 2020-10-26. Review status: criteria provided, single submitter. Criteria: Invitae Variant Classification Sherloc (09022015). Collection method: clinical testing. Allele origin: germline.
Comment: This sequence change creates a premature translational stop signal (p.Arg256Profs*27) in the NPRL3 gene. It is expected to result in an absent or disrupted protein product. Loss-of-function variants in NPRL3 are known to be pathogenic (PMID: 26285051, 26505888). This variant is not present in population databases (ExAC no frequency). This variant has not been reported in the literature in individuals with NPRL3-related conditions. This variant is also known as c.767+1del. For these reasons, this variant has been classified as Pathogenic.

Literature cited by the submitters: PubMed 26285051; PubMed 26505888.

NM_001077350.3(NPRL3):c.767+1del

Genes: HBA-LCR (alpha-globin locus control region; plus strand), NPRL3 (NPR3 like, GATOR1 complex subunit; minus strand). Cytogenetic location: 16p13.3.
Variant type: Deletion.
Coding change: c.767+1del on transcript NM_001077350.3 (MANE Select); the canonical splice donor site of the intron after coding-DNA position 767, one base deleted (G; older notation c.767+1delG).
Molecular consequence: splice donor variant.
Genome position (GRCh38, 1-based): chr16:100,371, C deleted on the plus strand (G on the coding strand, the reverse complement: NPRL3 is on the minus strand); the first of 2 consecutive C bases (chr16:100,371-100,372); deleting either gives the same sequence. VCF-style (leftmost placement, unchanged base first): chr16-100370-AC-A. GRCh37 (hg19) VCF-style: chr16-150368-AC-A.
Other names: c.533+1del (NM_001243247.2); c.692+1del (NM_001243248.2, NM_001243249.2); c.230+1del (NM_001039476.3).
Identifiers: ClinVar variation 1419387 (VCV001419387.8), dbSNP rs2141925052, ClinGen allele CA2573151686.